The following is an entry in ClinVar:

ClinVar aggregate classification (germline): Likely benign. Review status: criteria provided, multiple submitters, no conflicts (2 of 4 stars). 2 submissions from 2 submitters: Likely benign (2). Last evaluated 2025-04-07.

gnomAD v4.1: 5 of 1,612,644 alleles (0.00031%); highest among the groups gnomAD compares: Admixed American, 0.0083%; no homozygotes.

Submissions (2):

Mayo Clinic Laboratories, Mayo Clinic
Classification: Likely benign. Last evaluated: 2025-04-07. Review status: criteria provided, single submitter. Criteria: ACMG Guidelines, 2015. Collection method: clinical testing. Allele origin: germline. Observed: 1 variant allele.
Comment: BP4, BP7

Labcorp Genetics (formerly Invitae), Labcorp
Classification: Likely benign. Last evaluated: 2025-02-23. Review status: criteria provided, single submitter. Criteria: Invitae Variant Classification Sherloc (09022015). Collection method: clinical testing. Allele origin: germline.

NM_139027.6(ADAMTS13):c.1098C>T (p.Cys366=)

Gene: ADAMTS13 (ADAM metallopeptidase with thrombospondin type 1 motif 13; plus strand). Cytogenetic location: 9q34.2.
Variant type: single nucleotide variant.
Coding change: c.1098C>T on transcript NM_139027.6 (MANE Select); coding-DNA position 1098, C replaced by T.
Protein change: p.Cys366=; no amino-acid change (cysteine 366 retained).
Molecular consequence: synonymous variant.
Genome position (GRCh38, 1-based): chr9:133,433,383, C>T. VCF-style: chr9-133433383-C-T. GRCh37 (hg19) VCF-style: chr9-136298503-C-T.
Other names: p.Cys366=; c.1098C>T, p.Cys366= (NM_139025.5); c.1005C>T, p.Cys335= (NM_139026.6).
Identifiers: ClinVar variation 4683456 (VCV004683456.2).
Genomic context (GRCh38, chr9:133,433,383, plus strand): 5'-AGTCCTGTGGTGGGGTCACTGTGGGATGGGAGATGAAGCCATCCTTGCCTTGCAGTGGTG[C>T]TCCAAGGGTCGCTGCCGCTCCCTGGTGGAGCTGACCCCCATAGCAGCAGTGCATGGGCGC-3'
Protein context (NP_620596.2, residues 356-376): DGTECGVEKW[Cys366=]SKGRCRSLVE